The following is an entry in ClinVar:

NM_024105.4(ALG12):c.1216C>G (p.Leu406Val)

Gene: ALG12 (ALG12 alpha-1,6-mannosyltransferase; minus strand). Cytogenetic location: 22q13.33.
Variant type: single nucleotide variant.
Coding change: c.1216C>G on transcript NM_024105.4 (MANE Select); coding-DNA position 1216, C replaced by G.
Protein change: p.Leu406Val; replaces leucine 406 with valine.
Molecular consequence: missense variant.
Genome position (GRCh38, 1-based): chr22:49,904,201, G>C on the plus strand (C>G on the coding strand, the complement: ALG12 is on the minus strand). VCF-style: chr22-49904201-G-C. GRCh37 (hg19) VCF-style: chr22-50297849-G-C.
Other names: c.1216C>G (NM_024105.3); short protein forms L406V.
Identifiers: ClinVar variation 1449887 (VCV001449887.6), dbSNP rs772459313, ClinGen allele CA10300294.

ClinVar aggregate classification (germline): Uncertain significance. Review status: criteria provided, multiple submitters, no conflicts (2 of 4 stars). 2 submissions from 2 submitters: Uncertain significance (2). Last evaluated 2025-10-23.

Conditions:
Inborn genetic diseases. Identifiers: MedGen C0950123, MeSH D030342.
ALG12-congenital disorder of glycosylation (CDG1G). Also called: Congenital disorder of glycosylation, type Ig; CDG Ig; ALG12-CDG. Identifiers: Orphanet 79324, MedGen C2931001, MONDO:0011783, OMIM 607143.

Allele frequency attached by ClinVar (database versions not stated): TOPMed below 0.00001; gnomAD exomes 0.00003 and 0.00009; ExAC 0.00008; gnomAD 0.00009.

Submissions (2):

Ambry Genetics
Classification: Uncertain significance for Inborn genetic diseases. Last evaluated: 2025-10-23. Review status: criteria provided, single submitter. Criteria: Ambry Variant Classification Scheme 2023. Collection method: clinical testing. Allele origin: germline.

Labcorp Genetics (formerly Invitae), Labcorp
Classification: Uncertain significance for ALG12-congenital disorder of glycosylation. Last evaluated: 2022-09-19. Review status: criteria provided, single submitter. Criteria: Invitae Variant Classification Sherloc (09022015). Collection method: clinical testing. Allele origin: germline.
Comment: This sequence change replaces leucine, which is neutral and non-polar, with valine, which is neutral and non-polar, at codon 406 of the ALG12 protein (p.Leu406Val). This variant is present in population databases (rs772459313, gnomAD 0.07%). This variant has not been reported in the literature in individuals affected with ALG12-related conditions. ClinVar contains an entry for this variant (Variation ID: 1449887). Advanced modeling of protein sequence and biophysical properties (such as structural, functional, and spatial information, amino acid conservation, physicochemical variation, residue mobility, and thermodynamic stability) performed at Invitae indicates that this missense variant is not expected to disrupt ALG12 protein function. In summary, the available evidence is currently insufficient to determine the role of this variant in disease. Therefore, it has been classified as a Variant of Uncertain Significance.